The following is an entry in ClinVar:

ClinVar aggregate classification (germline): Likely benign (1 of 4 stars; one submission).

Allele frequency attached by ClinVar (database versions not stated): gnomAD exomes below 0.00001; ExAC 0.00002; 1000 Genomes Project 30x 0.00031.

Submission:

CeGaT Center for Human Genetics Tuebingen
Classification: Likely benign. Last evaluated: 2024-09-01. Review status: criteria provided, single submitter. Criteria: CeGaT Center For Human Genetics Tuebingen Variant Classification Criteria Version 2. Collection method: clinical testing. Allele origin: germline. Affected: yes. Observed: 3 variant alleles.
Comment: SRCAP: BP4, BP7

NM_006662.3(SRCAP):c.5634A>C (p.Pro1878=)

Gene: SRCAP (Snf2 related CREBBP activator protein; plus strand). Cytogenetic location: 16p11.2.
Variant type: single nucleotide variant.
Coding change: c.5634A>C on transcript NM_006662.3 (MANE Select); coding-DNA position 5634, A replaced by C.
Protein change: p.Pro1878=; no amino-acid change (proline 1878 retained).
Molecular consequence: synonymous variant.
Genome position (GRCh38, 1-based): chr16:30,725,058, A>C. VCF-style: chr16-30725058-A-C. GRCh37 (hg19) VCF-style: chr16-30736379-A-C.
Identifiers: ClinVar variation 2570939 (VCV002570939.27), dbSNP rs777551019, ClinGen allele CA8012032.
Genomic context (GRCh38, chr16:30,725,058, plus strand): 5'-CAGCCCTCCCTCCACTGCTACCTCGTTTGGTGGCCCCCGGCCTCGACGCCAGCCCCCCCC[A>C]CCACCTCGTTCCCCTTTTTATCTGGTAAGTTTTACTTCCTCAAGAGGGAACAGGAAGTTG-3'
Protein context (NP_006653.2, residues 1868-1888): GGPRPRRQPP[Pro1878=]PPRSPFYLDS